The following is an entry in ClinVar:

NM_001042492.3(NF1):c.3040A>G (p.Lys1014Glu)

Gene: NF1 (neurofibromin 1; plus strand). Cytogenetic location: 17q11.2.
Variant type: single nucleotide variant.
Coding change: c.3040A>G on transcript NM_001042492.3 (MANE Select); coding-DNA position 3040, A replaced by G.
Protein change: p.Lys1014Glu; replaces lysine 1014 with glutamic acid.
Molecular consequence: missense variant.
Genome position (GRCh38, 1-based): chr17:31,230,309, A>G. VCF-style: chr17-31230309-A-G. GRCh37 (hg19) VCF-style: chr17-29557327-A-G.
Other names: c.3040A>G, p.Lys1014Glu (NM_000267.4); short protein forms K1014E.
Identifiers: ClinVar variation 457617 (VCV000457617.5), dbSNP rs1135402839, ClinGen allele CA398987346.

ClinVar aggregate classification (germline): Uncertain significance (1 of 4 stars; one submission).

Conditions:
Neurofibromatosis, type 1 (NF1). Also called: VON RECKLINGHAUSEN DISEASE; NEUROFIBROMATOSIS, TYPE I, SOMATIC; Peripheral type neurofibromatosis; Neurofibromatosis, type I. Identifiers: Orphanet 636, MedGen C0027831, MONDO:0018975, OMIM 162200. Disease mechanism: loss of function.

Submission:

Labcorp Genetics (formerly Invitae), Labcorp
Classification: Uncertain significance for Neurofibromatosis, type 1. Last evaluated: 2017-01-09. Review status: criteria provided, single submitter. Criteria: Invitae Variant Classification Sherloc (09022015). Collection method: clinical testing. Allele origin: germline.
Comment: This sequence change replaces lysine with glutamic acid at codon 1014 of the NF1 protein (p.Lys1014Glu). The lysine residue is moderately conserved and there is a small physicochemical difference between lysine and glutamic acid. This variant is not present in population databases (ExAC no frequency) and has not been reported in the literature in individuals with an NF1-related disease. Algorithms developed to predict the effect of missense changes on protein structure and function do not agree on the potential impact of this missense change (SIFT: "Tolerated"; PolyPhen-2: "Probably Damaging"; Align-GVGD: "Class C0"). In summary, this variant is a novel missense change with uncertain impact on protein function. It has been classified as a Variant of Uncertain Significance.